The following is an entry in ClinVar:

NM_018896.5(CACNA1G):c.688G>A (p.Val230Ile)

Gene: CACNA1G (calcium voltage-gated channel subunit alpha1 G; plus strand). Cytogenetic location: 17q21.33.
Variant type: single nucleotide variant.
Coding change: c.688G>A on transcript NM_018896.5 (MANE Select); coding-DNA position 688, G replaced by A.
Protein change: p.Val230Ile; replaces valine 230 with isoleucine.
Molecular consequence: missense variant. On other transcripts: non-coding transcript variant (5).
Genome position (GRCh38, 1-based): chr17:50,571,979, G>A. VCF-style: chr17-50571979-G-A. GRCh37 (hg19) VCF-style: chr17-48649340-G-A.
Other names: c.688G>A, p.Val230Ile (NM_001256324.2, NM_001256325.2, NM_001256326.2 and 24 more transcripts); c.688G>A (NM_018896.3); short protein forms V230I.
Identifiers: ClinVar variation 1314889 (VCV001314889.8), dbSNP rs768796872, ClinGen allele CA8652006.

ClinVar aggregate classification (germline): Conflicting classifications of pathogenicity. Review status: criteria provided, conflicting classifications (1 of 4 stars). 4 submissions from 4 submitters: Uncertain significance (3); Likely benign (1). Last evaluated 2025-11-05.

Conditions:
Inborn genetic diseases. Identifiers: MedGen C0950123, MeSH D030342.

Allele frequency attached by ClinVar (database versions not stated): ExAC 0.00001; gnomAD exomes 0.00001 and 0.00003; gnomAD 0.00007 and 0.00009; TOPMed 0.00024.
gnomAD v4.1: 55 of 1,613,842 alleles (0.0034%); highest among the groups gnomAD compares: Admixed American, 0.028%; no homozygotes.

Submissions (4):

Women's Health and Genetics/Laboratory Corporation of America, LabCorp
Classification: Uncertain significance. Last evaluated: 2025-11-05. Review status: criteria provided, single submitter. Criteria: LabCorp Variant Classification Summary - May 2015. Collection method: clinical testing. Allele origin: germline.
Comment: Variant summary: CACNA1G c.688G>A (p.Val230Ile) results in a conservative amino acid change in the encoded protein sequence. Algorithms developed to predict the effect of missense changes on protein structure and function are either unavailable or do not agree on the potential impact of this missense change. The variant allele was found at a frequency of 1.2e-05 in 249226 control chromosomes. The available data on variant occurrences in the general population are insufficient to allow any conclusion about variant significance. To our knowledge, no occurrence of c.688G>A in individuals affected with CACNA1G-related conditions and no experimental evidence demonstrating its impact on protein function have been reported. ClinVar contains an entry for this variant (Variation ID: 1314889). Based on the evidence outlined above, the variant was classified as uncertain significance.

Labcorp Genetics (formerly Invitae), Labcorp
Classification: Uncertain significance. Last evaluated: 2023-11-27. Review status: criteria provided, single submitter. Criteria: Invitae Variant Classification Sherloc (09022015). Collection method: clinical testing. Allele origin: germline.
Comment: This sequence change replaces valine, which is neutral and non-polar, with isoleucine, which is neutral and non-polar, at codon 230 of the CACNA1G protein (p.Val230Ile). This variant is present in population databases (rs768796872, gnomAD 0.009%). This variant has not been reported in the literature in individuals affected with CACNA1G-related conditions. ClinVar contains an entry for this variant (Variation ID: 1314889). Advanced modeling of protein sequence and biophysical properties (such as structural, functional, and spatial information, amino acid conservation, physicochemical variation, residue mobility, and thermodynamic stability) has been performed at Invitae for this missense variant, however the output from this modeling did not meet the statistical confidence thresholds required to predict the impact of this variant on CACNA1G protein function. In summary, the available evidence is currently insufficient to determine the role of this variant in disease. Therefore, it has been classified as a Variant of Uncertain Significance.

Ambry Genetics
Classification: Uncertain significance for Inborn genetic diseases. Last evaluated: 2023-11-17. Review status: criteria provided, single submitter. Criteria: Ambry Variant Classification Scheme 2023. Collection method: clinical testing. Allele origin: germline.

GeneDx
Classification: Likely benign. Last evaluated: 2021-05-19. Review status: criteria provided, single submitter. Criteria: GeneDx Variant Classification Process June 2021. Collection method: clinical testing. Allele origin: germline. Affected: yes.
Comment: In silico analysis supports that this missense variant does not alter protein structure/function; Has not been previously published as pathogenic or benign to our knowledge